The following is an entry in ClinVar:

NM_000153.4(GALC):c.688_694del (p.Trp230fs)

Gene: GALC (galactosylceramidase; minus strand). Cytogenetic location: 14q31.3.
Variant type: Deletion.
Coding change: c.688_694del on transcript NM_000153.4 (MANE Select); coding-DNA positions 688 to 694, 7 bases deleted (TGGGAGT; older notation c.688_694delTGGGAGT).
Protein change: p.Trp230fs; shifts the reading frame from tryptophan 230.
Molecular consequence: frameshift variant.
Genome position (GRCh38, 1-based): chr14:87,976,416-87,976,422, ACTCCCA deleted on the plus strand (TGGGAGT on the coding strand, the reverse complement: GALC is on the minus strand). VCF-style (leftmost placement, unchanged base first): chr14-87976415-GACTCCCA-G. GRCh37 (hg19) VCF-style: chr14-88442759-GACTCCCA-G.
Other names: c.619_625del, p.Trp207fs (NM_001201401.2); c.610_616del, p.Trp204fs (NM_001201402.2); short protein forms W204fs, W207fs, W230fs.
Identifiers: ClinVar variation 1320177 (VCV001320177.1), dbSNP rs780376041, ClinGen allele CA7297275.

ClinVar aggregate classification (germline): Pathogenic (1 of 4 stars; one submission).

Conditions:
Galactosylceramide beta-galactosidase deficiency. Also called: GALACTOCEREBROSIDASE DEFICIENCY; GALC DEFICIENCY; GLOBOID CELL LEUKOENCEPHALOPATHY; Krabbe Disease; Leukodystrophy, Globoid Cell. Identifiers: Orphanet 487, MedGen C0023521, MONDO:0009499, OMIM 245200.

Allele frequency attached by ClinVar (database versions not stated): ExAC 0.00001; gnomAD exomes 0.00001.

Submission:

3billion
Classification: Pathogenic for Galactosylceramide beta-galactosidase deficiency. Last evaluated: 2021-10-02. Review status: criteria provided, single submitter. Criteria: ACMG Guidelines, 2015. Collection method: clinical testing. Allele origin: unknown. Affected: yes. Observed: 1 heterozygote.
Comment: Frameshift: predicted to result in a loss or disruption of normal protein function through nonsense-mediated decay (NMD) or protein truncation. Multiple pathogenic variants are reported downstream of the variant (PVS1_VS). It is not observed in the gnomAD v2.1.1 dataset (PM2). Patient's phenotype is considered compatible with Krabbe disease (3billion dataset, PP4). Therefore, this variant is classified as pathogenic according to the recommendation of ACMG/AMP guideline.